The following is an entry in ClinVar:

ClinVar aggregate classification (germline): Pathogenic/Likely pathogenic. Review status: criteria provided, multiple submitters, no conflicts (2 of 4 stars). 14 submissions from 14 submitters: Pathogenic (6); Likely pathogenic (6). 2 of the submissions do not count toward it. Last evaluated 2026-03-24.

Conditions:
Paediatric disorders.
PTPN11-related disorder. Also called: PTPN11-Related Disorders.
Cardiovascular phenotype. Identifiers: MedGen CN230736.
Noonan syndrome 1 (NS1). Also called: FEMALE PSEUDO-TURNER SYNDROME; PTPN11-Related Noonan Syndrome; TURNER PHENOTYPE WITH NORMAL KARYOTYPE. Identifiers: Orphanet 648, MedGen C4551602, MONDO:0008104, OMIM 163950. Disease mechanism: gain of function.
Metachondromatosis (METCDS). Identifiers: Orphanet 2499, MedGen C0410530, MONDO:0007979, OMIM 156250.
Juvenile myelomonocytic leukemia (JMML). Also called: LEUKEMIA, JUVENILE MYELOMONOCYTIC, SOMATIC. Identifiers: Orphanet 86834, MedGen C0349639, MONDO:0011908, OMIM 607785, HP:0012209.
LEOPARD syndrome 1 (LPRD1). Also called: PTPN11-Related LEOPARD Syndrome; LENTIGINOSIS, CARDIOMYOPATHIC; MULTIPLE LENTIGINES SYNDROME. Identifiers: Orphanet 500, MedGen C4551484, MONDO:0100082, OMIM 151100.
RASopathy. Also called: rasopathies; Noonan spectrum disorder. Identifiers: Orphanet 536391, MedGen C5555857, MONDO:0021060.
Noonan syndrome (NS). Also called: Noonan's syndrome. Identifiers: Orphanet 648, MedGen C0028326, MeSH D009634, MONDO:0018997. Disease mechanism: gain of function.

Submissions (14):

North West Genomic Laboratory Hub, Manchester University NHS Foundation Trust
Classification: Pathogenic for Paediatric disorders. Last evaluated: 2026-03-24. Review status: criteria provided, single submitter. Criteria: ACGS Best Practice Guidelines for Variant Classification in Rare Disease 2024. Collection method: clinical testing. Allele origin: germline. Affected: yes.
Comment: PP2_Supp PM2_Mod PP3_Supp PM5_Mod PS4_Str

GeneDx
Classification: Likely pathogenic. Last evaluated: 2025-09-10. Review status: criteria provided, single submitter. Criteria: GeneDx Variant Classification Process June 2021. Collection method: clinical testing. Allele origin: germline. Affected: yes.
Comment: Not observed at significant frequency in large population cohorts (gnomAD); Missense variants in this gene are a common cause of disease and they are underrepresented in the general population; In silico analysis supports that this missense variant has a deleterious effect on protein structure/function; This variant is associated with the following publications: (PMID: 32164556, 26242988, 24803665, 21590266, 18470943, 38958063, 16358218, 37019085, 35904599, 25722345, 12717436, 26203125, 34482403, 29493581, 29038591, 26785492)

Labcorp Genetics (formerly Invitae), Labcorp
Classification: Pathogenic for RASopathy. Last evaluated: 2024-11-11. Review status: criteria provided, single submitter. Criteria: Invitae Variant Classification Sherloc (09022015). Collection method: clinical testing. Allele origin: germline.
Comment: This sequence change replaces glycine, which is neutral and non-polar, with serine, which is neutral and polar, at codon 268 of the PTPN11 protein (p.Gly268Ser). This variant is not present in population databases (gnomAD no frequency). This missense change has been observed in individuals with Noonan syndrome (PMID: 21590266, 26242988, 32164556). ClinVar contains an entry for this variant (Variation ID: 44614). Invitae Evidence Modeling incorporating data from in vitro experimental studies (internal data) indicates that this missense variant is expected to disrupt PTPN11 function with a positive predictive value of 95%. This variant disrupts the p.Gly268 amino acid residue in PTPN11. Other variant(s) that disrupt this residue have been determined to be pathogenic (PMID: 22465605, 26785492). This suggests that this residue is clinically significant, and that variants that disrupt this residue are likely to be disease-causing. For these reasons, this variant has been classified as Pathogenic.

Fulgent Genetics
Classification: Likely pathogenic for LEOPARD syndrome 1; Metachondromatosis; Noonan syndrome 1; Juvenile myelomonocytic leukemia. Last evaluated: 2024-01-18. Review status: criteria provided, single submitter. Criteria: ACMG Guidelines, 2015. Collection method: clinical testing. Allele origin: germline.

Ambry Genetics
Classification: Likely pathogenic for Cardiovascular phenotype. Last evaluated: 2023-11-30. Review status: criteria provided, single submitter. Criteria: Ambry Variant Classification Scheme 2023. Collection method: clinical testing. Allele origin: germline.
Comment: The p.G268S variant (also known as c.802G>A), located in coding exon 7 of the PTPN11 gene, results from a G to A substitution at nucleotide position 802. The glycine at codon 268 is replaced by serine, an amino acid with similar properties. This alteration has been detected in individuals with Noonan syndrome phenotypes (Joyce S et al. Eur. J. Hum. Genet., 2016 May;24:690-6; Tartaglia M et al. Am. J. Hum. Genet., 2006 Feb;78:279-90; Papadopoulou A et al. Eur. J. Pediatr., 2012 Jan;171:51-8; Liu G et al. Sci Rep, 2017 10;7:13262). This variant is considered to be rare based on population cohorts in the Genome Aggregation Database (gnomAD). This amino acid position is highly conserved in available vertebrate species. In addition, this alteration is predicted to be deleterious by in silico analysis. Based on the supporting evidence, this variant is expected to be causative of PTPN11-related RASopathy; however, its clinical significance for metachondromatosis is unclear.

Greenwood Genetic Center Diagnostic Laboratories, Greenwood Genetic Center
Classification: Likely pathogenic for Noonan syndrome 1. Last evaluated: 2023-11-07. Review status: criteria provided, single submitter. Criteria: ACMG Guidelines, 2015. Collection method: clinical testing. Allele origin: germline. Affected: yes.
Comment: PS4, PP2, PP3

Women's Health and Genetics/Laboratory Corporation of America, LabCorp
Classification: Pathogenic for RASopathy. Last evaluated: 2023-05-03. Review status: criteria provided, single submitter. Criteria: LabCorp Variant Classification Summary - May 2015. Collection method: clinical testing. Allele origin: germline.
Comment: Variant summary: PTPN11 c.802G>A (p.Gly268Ser) results in a non-conservative amino acid change located in the tyrosine-specific protein phosphatase, PTPase domain (IPR000242) of the encoded protein sequence. Five of five in-silico tools predict a damaging effect of the variant on protein function. The variant was absent in 247722 control chromosomes (gnomAD and Tartaglia_2006). c.802G>A has been reported in the literature in multiple individuals affected with Noonan Syndrome, and co-segregated with disease in at least one family (e.g. Tartaglia_2006, Joyce_2015, Athota_2020, Papadopoulos_2022). These data indicate that the variant is very likely to be associated with disease. To our knowledge, no experimental evidence demonstrating an impact on protein function has been reported. However, a variant affecting the same amino acid (p.Gly268Cys) has also been classified as likely pathogenic/pathogenic by multiple clinical laboratories (via ClinVar), suggesting that the p.Gly268 residue is important for PTPN11 function. The following publications have been ascertained in the context of this evaluation (PMID: 24803665, 25722345, 32164556, 26242988, 35904599, 16358218, 12717436). Eight clinical diagnostic laboratories have submitted clinical-significance assessments for this variant to ClinVar after 2014 and all classified the variant as pathogenic (n=3)/likely pathogenic (n=5). Based on the evidence outlined above, the variant was classified as pathogenic.

Blueprint Genetics
Classification: Likely pathogenic for PTPN11-related disorders. Last evaluated: 2021-11-16. Review status: criteria provided, single submitter. Criteria: ACMG Guidelines, 2015. Collection method: clinical testing. Allele origin: germline. Affected: yes. Observed: 3 variant alleles.

Revvity Omics, Revvity
Classification: Pathogenic. Last evaluated: 2021-09-15. Review status: criteria provided, single submitter. Criteria: ACMG Guidelines, 2015. Collection method: clinical testing. Allele origin: germline.

Baylor Genetics
Classification: Pathogenic for LEOPARD syndrome 1. Last evaluated: 2019-09-09. Review status: criteria provided, single submitter. Criteria: ACMG Guidelines, 2015. Collection method: clinical testing. Allele origin: unknown. Affected: yes.
Comment: This variant was determined to be pathogenic according to ACMG Guidelines, 2015 [PMID:25741868].

Laboratory for Molecular Medicine, Mass General Brigham Personalized Medicine
Classification: Likely pathogenic for Noonan syndrome. Last evaluated: 2015-09-29. Review status: criteria provided, single submitter. Criteria: LMM Criteria. Collection method: clinical testing. Allele origin: germline. Inheritance: Autosomal dominant inheritance. Observed: 1 variant allele.
Comment: proposed classification - variant undergoing re-assessment, contact laboratory

Neuberg Centre For Genomic Medicine, NCGM
Classification: Pathogenic for Noonan syndrome 1. Review status: criteria provided, single submitter. Criteria: ACMG Guidelines, 2015. Collection method: clinical testing. Allele origin: germline. Inheritance: Autosomal dominant inheritance. Affected: yes.
Comment: The missense variant c.802G>A (p.Gly268Ser) in PTPN11 gene has been reported in heterozygous state in individual affected with Noonan syndrome 1 (Athota JP, Bhat M, Nampoothiri S, et al., 2020). This variant disrupts the p.Gly268 amino acid residue in PTPN11. Other variant(s) that disrupt this residue have been determined to be pathogenic (Homsy J et al., 2015). This suggests that this residue is clinically significant, and that variants that disrupt this residue are likely to be disease-causing. The p.Gly268Ser variant is novel (not in any individuals) in gnomAD exomes and 1000 Genomes. This variant has been reported to the ClinVar database as Pathogenic and Likely Pathogenic. The amino acid Gly at position 268 is changed to a Ser changing protein sequence and it might alter its composition and physico-chemical properties. The amino acid change p.Gly268Ser in PTPN11 is predicted as conserved by GERP++ and PhyloP across 100 vertebrates. For these reasons, this variant has been classified as Pathogenic.

Clinical Genetics DNA and cytogenetics Diagnostics Lab, Erasmus MC, Erasmus Medical Center
Classification: Pathogenic. Review status: no assertion criteria provided. Collection method: clinical testing. Allele origin: germline. Affected: yes. Study: VKGL Data-share Consensus. Not counted in ClinVar's aggregate classification.

Joint Genome Diagnostic Labs from Nijmegen and Maastricht, Radboudumc and MUMC+
Classification: Pathogenic. Review status: no assertion criteria provided. Collection method: clinical testing. Allele origin: germline. Affected: yes. Study: VKGL Data-share Consensus. Not counted in ClinVar's aggregate classification.

Literature cited by the submitters: PubMed 21590266 (cited by 3 submitters); PubMed 26242988 (cited by 3 submitters); PubMed 32164556 (cited by Labcorp Genetics (formerly Invitae), Labcorp and Women's Health and Genetics/Laboratory Corporation of America, LabCorp); PubMed 22465605 (cited by Labcorp Genetics (formerly Invitae), Labcorp); PubMed 26785492 (cited by Labcorp Genetics (formerly Invitae), Labcorp); PubMed 16358218 (cited by 3 submitters); PubMed 24803665 (cited by Ambry Genetics and Women's Health and Genetics/Laboratory Corporation of America, LabCorp); PubMed 29038591 (cited by Ambry Genetics); PubMed 37019085 (cited by Ambry Genetics); PubMed 12717436 (cited by Women's Health and Genetics/Laboratory Corporation of America, LabCorp); PubMed 25722345 (cited by Women's Health and Genetics/Laboratory Corporation of America, LabCorp); PubMed 35904599 (cited by Women's Health and Genetics/Laboratory Corporation of America, LabCorp).

NM_002834.5(PTPN11):c.802G>A (p.Gly268Ser)

Gene: PTPN11 (protein tyrosine phosphatase non-receptor type 11; plus strand). Cytogenetic location: 12q24.13.
Variant type: single nucleotide variant.
Coding change: c.802G>A on transcript NM_002834.5 (MANE Select); coding-DNA position 802, G replaced by A.
Protein change: p.Gly268Ser; replaces glycine 268 with serine.
Molecular consequence: missense variant.
Genome position (GRCh38, 1-based): chr12:112,472,989, G>A. VCF-style: chr12-112472989-G-A. GRCh37 (hg19) VCF-style: chr12-112910793-G-A.
Other names: p.G268S:GGT>AGT; c.802G>A, p.Gly268Ser (NM_001330437.2, NM_080601.3); c.799G>A, p.Gly267Ser (NM_001374625.1); short protein forms G268S, G267S.
Identifiers: ClinVar variation 44614 (VCV000044614.33), dbSNP rs397507527, ClinGen allele CA261594.